The following is an entry in ClinVar:

ClinVar aggregate classification (germline): Likely benign. Review status: criteria provided, multiple submitters, no conflicts (2 of 4 stars). 3 submissions from 3 submitters: Likely benign (3). Last evaluated 2024-11-07.

Conditions:
Epidermolysis bullosa simplex 5B, with muscular dystrophy (EBS5B). Also called: Epidermolysis bullosa simplex with muscular dystrophy; EPIDERMOLYSIS BULLOSA SIMPLEX AND LIMB-GIRDLE MUSCULAR DYSTROPHY. Identifiers: Orphanet 257, MedGen C2931072, MONDO:0009181, OMIM 226670.
Epidermolysis bullosa simplex, Ogna type (EBS5A). Also called: Pidermolysis bullosa simplex 5A, Ogna type; EPIDERMOLYSIS BULLOSA SIMPLEX 5A, OGNA TYPE. Identifiers: Orphanet 79401, MedGen C0432317, MONDO:0007555, OMIM 131950.
Epidermolysis bullosa simplex 5C, with pyloric atresia (EBS5C). Also called: PLEC-Related Epidermolysis Bullosa with Pyloric Atresia; Epidermolysis bullosa simplex with pyloric atresia; PLEC1-Related Epidermolysis Bullosa with Pyloric Atresia. Identifiers: Orphanet 158684, MedGen C2677349, MONDO:0012807, OMIM 612138.
Epidermolysis bullosa simplex with nail dystrophy (EBS5D). Identifiers: MedGen C4225309, MONDO:0014661, OMIM 616487.
Autosomal recessive limb-girdle muscular dystrophy type 2Q (LGMDR17). Also called: MUSCULAR DYSTROPHY, LIMB-GIRDLE, AUTOSOMAL RECESSIVE 17. Identifiers: Orphanet 254361, MedGen C3150989, MONDO:0013390, OMIM 613723.

Allele frequency attached by ClinVar (database versions not stated): TOPMed 0.00003.
gnomAD v4.1: 22 of 1,612,606 alleles (0.0014%); highest among the groups gnomAD compares: Middle Eastern, 0.017%; no homozygotes.

Submissions (3):

Blueprint Genetics
Classification: Likely benign. Last evaluated: 2024-11-07. Review status: criteria provided, single submitter. Criteria: ACMG Guidelines, 2015. Collection method: clinical testing. Allele origin: germline.

Labcorp Genetics (formerly Invitae), Labcorp
Classification: Likely benign for Autosomal recessive limb-girdle muscular dystrophy type 2Q; Epidermolysis bullosa simplex, Ogna type; Epidermolysis bullosa simplex with nail dystrophy; Epidermolysis bullosa simplex 5C, with pyloric atresia; Epidermolysis bullosa simplex 5B, with muscular dystrophy. Last evaluated: 2022-12-08. Review status: criteria provided, single submitter. Criteria: Invitae Variant Classification Sherloc (09022015). Collection method: clinical testing. Allele origin: germline.

CeGaT Center for Human Genetics Tuebingen
Classification: Likely benign. Last evaluated: 2022-04-01. Review status: criteria provided, single submitter. Criteria: CeGaT Center For Human Genetics Tuebingen Variant Classification Criteria Version 2. Collection method: clinical testing. Allele origin: germline. Affected: yes. Observed: 1 variant allele.
Comment: PLEC: BP4, BP7

NM_201384.3(PLEC):c.7230G>C (p.Ala2410=)

Gene: PLEC (plectin; minus strand). Cytogenetic location: 8q24.3.
Variant type: single nucleotide variant.
Coding change: c.7230G>C on transcript NM_201384.3 (MANE Select); coding-DNA position 7230, G replaced by C.
Protein change: p.Ala2410=; no amino-acid change (alanine 2410 retained).
Molecular consequence: synonymous variant.
Genome position (GRCh38, 1-based): chr8:143,922,699, C>G on the plus strand (G>C on the coding strand, the complement: PLEC is on the minus strand). VCF-style: chr8-143922699-C-G. GRCh37 (hg19) VCF-style: chr8-144996867-C-G.
Other names: c.7311G>C, p.Ala2437= (NM_000445.5); c.7188G>C, p.Ala2396= (NM_201378.4); c.7164G>C, p.Ala2388= (NM_201379.3); c.7641G>C, p.Ala2547= (NM_201380.4); c.7134G>C, p.Ala2378= (NM_201381.3); c.7230G>C, p.Ala2410= (NM_201382.4); c.7242G>C, p.Ala2414= (NM_201383.3).
Identifiers: ClinVar variation 772532 (VCV000772532.35), dbSNP rs201578404, ClinGen allele CA4925719.